The following is an entry in ClinVar:

NM_006415.4(SPTLC1):c.695C>T (p.Pro232Leu)

Gene: SPTLC1 (serine palmitoyltransferase long chain base subunit 1; minus strand). Cytogenetic location: 9q22.31.
Variant type: single nucleotide variant.
Coding change: c.695C>T on transcript NM_006415.4 (MANE Select); coding-DNA position 695, C replaced by T.
Protein change: p.Pro232Leu; replaces proline 232 with leucine.
Molecular consequence: missense variant.
Genome position (GRCh38, 1-based): chr9:92,055,490, G>A on the plus strand (C>T on the coding strand, the complement: SPTLC1 is on the minus strand). VCF-style: chr9-92055490-G-A. GRCh37 (hg19) VCF-style: chr9-94817772-G-A.
Other names: c.695C>T, p.Pro232Leu (NM_001281303.2); c.329C>T, p.Pro110Leu (NM_001368272.1); c.230C>T, p.Pro77Leu (NM_001368273.1); short protein forms P110L, P77L, P232L.
Identifiers: ClinVar variation 1985071 (VCV001985071.4), dbSNP rs2538420108, ClinGen allele CA373795311.

ClinVar aggregate classification (germline): Uncertain significance (1 of 4 stars; one submission).

Conditions:
Hereditary sensory and autonomic neuropathy type 1 (HSAN1). Also called: HSAN 1; HSN Type I; Hereditary Sensory Neuropathy Type I. Identifiers: Orphanet 36386, MedGen C0020071, MONDO:0018213.

Submission:

Labcorp Genetics (formerly Invitae), Labcorp
Classification: Uncertain significance for Hereditary sensory and autonomic neuropathy type 1. Last evaluated: 2022-07-25. Review status: criteria provided, single submitter. Criteria: Invitae Variant Classification Sherloc (09022015). Collection method: clinical testing. Allele origin: germline.
Comment: In summary, the available evidence is currently insufficient to determine the role of this variant in disease. Therefore, it has been classified as a Variant of Uncertain Significance. Algorithms developed to predict the effect of missense changes on protein structure and function are either unavailable or do not agree on the potential impact of this missense change (SIFT: "Deleterious"; PolyPhen-2: "Probably Damaging"; Align-GVGD: "Class C0"). This variant has not been reported in the literature in individuals affected with SPTLC1-related conditions. This variant is not present in population databases (gnomAD no frequency). This sequence change replaces proline, which is neutral and non-polar, with leucine, which is neutral and non-polar, at codon 232 of the SPTLC1 protein (p.Pro232Leu).